The following is an entry in ClinVar:

ClinVar aggregate classification (germline): Conflicting classifications of pathogenicity. Review status: criteria provided, conflicting classifications (1 of 4 stars). 9 submissions from 9 submitters: Uncertain significance (6); Likely benign (1). 2 of the submissions do not count toward it. Last evaluated 2024-08-31.

Conditions:
Microcephaly, normal intelligence and immunodeficiency (NBS). Also called: IMMUNODEFICIENCY, MICROCEPHALY, AND CHROMOSOMAL INSTABILITY; SEEMANOVA SYNDROME II; Immunodeficiency, microcephaly with normal intelligence; Ataxia telangiectasia variant V1; Nijmegen breakage syndrome; Microcephaly with normal intelligence immunodeficiency and lymphoreticular malignancies. Identifiers: Orphanet 647, MedGen C0398791, MONDO:0009623, OMIM 251260.
Acute lymphoid leukemia (ALL). Also called: Acute lymphoblastic leukemia; Acute lymphocytic leukemia; Lymphoblastic leukemia; Leukemia, acute lymphoblastic, somatic. Identifiers: Orphanet 513, MedGen C0023449, MONDO:0004967, OMIM 613065, HP:0006721.
Aplastic anemia. Identifiers: Orphanet 182040, Orphanet 88, MedGen C0002874, MONDO:0015909, OMIM 609135, HP:0001915.
Malignant tumor of breast. Also called: Cancer breast; Malignant breast neoplasm. Identifiers: MedGen C0006142, MONDO:0007254. Disease mechanism: loss of function.
Hereditary cancer-predisposing syndrome. Also called: Hereditary neoplastic syndrome; Neoplastic Syndromes, Hereditary; Tumor predisposition; Hereditary Cancer Syndrome. Identifiers: Orphanet 140162, MedGen C0027672, MeSH D009386, MONDO:0015356.

Allele frequency attached by ClinVar (database versions not stated): gnomAD 0.00001; TOPMed 0.00002; gnomAD exomes 0.00003 and 0.00006; ExAC 0.00008.

Submissions (9):

Labcorp Genetics (formerly Invitae), Labcorp
Classification: Uncertain significance for Microcephaly, normal intelligence and immunodeficiency. Last evaluated: 2024-08-31. Review status: criteria provided, single submitter. Criteria: Invitae Variant Classification Sherloc (09022015). Collection method: clinical testing. Allele origin: germline.
Comment: This sequence change replaces glutamic acid, which is acidic and polar, with glycine, which is neutral and non-polar, at codon 585 of the NBN protein (p.Glu585Gly). This variant is present in population databases (rs763926389, gnomAD 0.03%). This missense change has been observed in individual(s) with Nijmegen breakage syndrome (PMID: 36346689). ClinVar contains an entry for this variant (Variation ID: 411789). An algorithm developed to predict the effect of missense changes on protein structure and function outputs the following: PolyPhen-2: "Benign". The glycine amino acid residue is found in multiple mammalian species, which suggests that this missense change does not adversely affect protein function. In summary, the available evidence is currently insufficient to determine the role of this variant in disease. Therefore, it has been classified as a Variant of Uncertain Significance.

GeneDx
Classification: Uncertain significance. Last evaluated: 2023-03-17. Review status: criteria provided, single submitter. Criteria: GeneDx Variant Classification Process June 2021. Collection method: clinical testing. Allele origin: germline. Affected: yes.
Comment: In silico analysis supports that this missense variant does not alter protein structure/function; Observed in individuals with breast cancer (Dorling et al., 2021); This variant is associated with the following publications: (PMID: 33471991, 24894818)

Women's Health and Genetics/Laboratory Corporation of America, LabCorp
Classification: Uncertain significance. Last evaluated: 2022-07-21. Review status: criteria provided, single submitter. Criteria: LabCorp Variant Classification Summary - May 2015. Collection method: clinical testing. Allele origin: germline.

Genome-Nilou Lab
Classification: Uncertain significance for Microcephaly, normal intelligence and immunodeficiency. Last evaluated: 2021-11-07. Review status: criteria provided, single submitter. Criteria: ACMG Guidelines, 2015. Collection method: clinical testing. Allele origin: germline. Affected: no.

Fulgent Genetics
Classification: Uncertain significance for Microcephaly, normal intelligence and immunodeficiency; Aplastic anemia; Acute lymphoid leukemia. Last evaluated: 2021-07-26. Review status: criteria provided, single submitter. Criteria: ACMG Guidelines, 2015. Collection method: clinical testing. Allele origin: unknown.

Ambry Genetics
Classification: Likely benign for Hereditary cancer-predisposing syndrome. Last evaluated: 2021-05-20. Review status: criteria provided, single submitter. Criteria: Ambry Variant Classification Scheme 2023. Collection method: clinical testing. Allele origin: germline.

PreventionGenetics, part of Exact Sciences
Classification: Uncertain significance. Last evaluated: 2017-09-23. Review status: criteria provided, single submitter. Criteria: ACMG Guidelines, 2015. Collection method: clinical testing. Allele origin: germline.

Natera, Inc.
Classification: Uncertain significance for Nijmegen breakage syndrome. Last evaluated: 2020-02-12. Review status: no assertion criteria provided. Collection method: clinical testing. Allele origin: germline. Not counted in ClinVar's aggregate classification.

Department of Pathology and Laboratory Medicine, Sinai Health System
Classification: Uncertain significance for Malignant tumor of breast. Review status: no assertion criteria provided. Collection method: clinical testing. Allele origin: unknown. Affected: yes. Observed: 1 variant allele. Study: The Canadian Open Genetics Repository (COGR). Not counted in ClinVar's aggregate classification.
Comment: The NBN p.Glu585Gly variant was not identified in the literature nor was it identified in the Cosmic, LOVD 3.0, Zhejiang Colon Cancer Database, databases. The variant was identified in dbSNP (ID: rs763926389) as With Uncertain significance allele, and ClinVar (classified as uncertain significance by Invitae). The variant was identified in control databases in 13 of 245824 chromosomes at a frequency of 0.00005 (Genome Aggregation Consortium Feb 27, 2017). The p.Glu585 residue is not conserved in mammals and four out of five computational analyses (PolyPhen-2, SIFT, AlignGVGD, BLOSUM, MutationTaster) do not suggest a high likelihood of impact to the protein; however, this information is not predictive enough to rule out pathogenicity. The variant occurs outside of the splicing consensus sequence and in silico or computational prediction software programs (SpliceSiteFinder, MaxEntScan, NNSPLICE, GeneSplicer, HumanSpliceFinder) do not predict a difference in splicing. In summary, based on the above information, the clinical significance of this variant cannot be determined with certainty at this time. This variant is classified as a variant of uncertain significance.

Literature cited by the submitters: PubMed 36346689 (cited by Labcorp Genetics (formerly Invitae), Labcorp); PubMed 33471991 (cited by Ambry Genetics).

NM_002485.5(NBN):c.1754A>G (p.Glu585Gly)

Gene: NBN (nibrin; minus strand). Cytogenetic location: 8q21.3.
Variant type: single nucleotide variant.
Coding change: c.1754A>G on transcript NM_002485.5 (MANE Select); coding-DNA position 1754, A replaced by G.
Protein change: p.Glu585Gly; replaces glutamic acid 585 with glycine.
Molecular consequence: missense variant.
Genome position (GRCh38, 1-based): chr8:89,953,335, T>C on the plus strand (A>G on the coding strand, the complement: NBN is on the minus strand). VCF-style: chr8-89953335-T-C. GRCh37 (hg19) VCF-style: chr8-90965563-T-C.
Other names: c.1508A>G, p.Glu503Gly (NM_001024688.3); short protein forms E585G, E503G.
Identifiers: ClinVar variation 411789 (VCV000411789.31), dbSNP rs763926389, ClinGen allele CA4802685.
Genomic context (GRCh38, chr8:89,953,335, plus strand): 5'-TCACTGAAAGTGTCATTTGTTTCTATATCCATCCTTGGCCTTTTTCTAACATTGACATCT[T>C]CCTCCTGTTTTTGAACTTTCACATCAATTTCTAACTCTGGTTTTGTGTCCTTGAATAACT-3'
Protein context (NP_002476.2, residues 575-595): EIDVKVQKQE[Glu585Gly]DVNVRKRPRM